The following is an entry in ClinVar:

ClinVar aggregate classification (germline): Likely benign (1 of 4 stars; one submission).

Conditions:
ALMS1-related disorder. Also called: ALMS1-related condition.

Submission:

PreventionGenetics, part of Exact Sciences
Classification: Likely benign for ALMS1-related condition. Last evaluated: 2021-09-11. Review status: criteria provided, single submitter. Criteria: ACMG Guidelines, 2015. Collection method: clinical testing. Allele origin: germline.
Comment: This variant is classified as likely benign based on ACMG/AMP sequence variant interpretation guidelines (Richards et al. 2015 PMID: 25741868, with internal and published modifications).

NM_001378454.1(ALMS1):c.10605G>A (p.Met3535Ile)

Gene: ALMS1 (ALMS1 centrosome and basal body associated protein; plus strand). Cytogenetic location: 2p13.1.
Variant type: single nucleotide variant.
Coding change: c.10605G>A on transcript NM_001378454.1 (MANE Select); coding-DNA position 10605, G replaced by A.
Protein change: p.Met3535Ile; replaces methionine 3535 with isoleucine.
Molecular consequence: missense variant.
Genome position (GRCh38, 1-based): chr2:73,572,482, G>A. VCF-style: chr2-73572482-G-A. GRCh37 (hg19) VCF-style: chr2-73799609-G-A.
Other names: c.10608G>A, p.Met3536Ile (NM_015120.4); short protein forms M3535I, M3536I.
Identifiers: ClinVar variation 3036124 (VCV003036124.1), dbSNP rs2466443745, ClinGen allele CA347284093.